The following is an entry in ClinVar:

ClinVar aggregate classification (germline): Likely benign. Review status: criteria provided, single submitter (1 of 4 stars). 2 submissions from 2 submitters: Likely benign (1). 1 of the submissions does not count toward it. Last evaluated 2025-12-14.

Conditions:
ASPM-related disorder. Also called: ASPM-related condition.

Allele frequency attached by ClinVar (database versions not stated): gnomAD exomes 0.00001 and 0.00005; ExAC 0.00005; ESP Exome Variant Server 0.00015; gnomAD 0.00019; TOPMed 0.00023; 1000 Genomes Project 0.00080; 1000 Genomes Project 30x 0.00125.
gnomAD v4.1: 52 of 1,613,152 alleles (0.0032%); highest among the groups gnomAD compares: African/African-American, 0.053%; no homozygotes.

Submissions (2):

Labcorp Genetics (formerly Invitae), Labcorp
Classification: Likely benign. Last evaluated: 2025-12-14. Review status: criteria provided, single submitter. Criteria: Invitae Variant Classification Sherloc (09022015). Collection method: clinical testing. Allele origin: germline.

PreventionGenetics, part of Exact Sciences
Classification: Likely benign for ASPM-related condition. Last evaluated: 2019-07-12. Review status: no assertion criteria provided. Collection method: clinical testing. Allele origin: germline. Not counted in ClinVar's aggregate classification.
Comment: This variant is classified as likely benign based on ACMG/AMP sequence variant interpretation guidelines (Richards et al. 2015 PMID: 25741868, with internal and published modifications).

NM_018136.5(ASPM):c.5700T>G (p.Ala1900=)

Gene: ASPM (assembly factor for spindle microtubules; minus strand). Cytogenetic location: 1q31.3.
Variant type: single nucleotide variant.
Coding change: c.5700T>G on transcript NM_018136.5 (MANE Select); coding-DNA position 5700, T replaced by G.
Protein change: p.Ala1900=; no amino-acid change (alanine 1900 retained).
Molecular consequence: synonymous variant. On other transcripts: intron variant (1).
Genome position (GRCh38, 1-based): chr1:197,103,551, A>C on the plus strand (T>G on the coding strand, the complement: ASPM is on the minus strand). VCF-style: chr1-197103551-A-C. GRCh37 (hg19) VCF-style: chr1-197072681-A-C.
Other names: c.5700T>G (NM_018136.4); c.4066-7387T>G (NM_001206846.2).
Identifiers: ClinVar variation 1582624 (VCV001582624.10), dbSNP rs146673233, ClinGen allele CA1309705.